The following is an entry in ClinVar:

ClinVar aggregate classification (germline): Uncertain significance. Review status: criteria provided, multiple submitters, no conflicts (2 of 4 stars). 4 submissions from 4 submitters: Uncertain significance (4). Last evaluated 2026-06-26.

Conditions:
CNGB1-related disorder. Also called: CNGB1-related condition.

Allele frequency attached by ClinVar (database versions not stated): gnomAD 0.00019; TOPMed 0.00020; ESP Exome Variant Server 0.00024.
gnomAD v4.1: 540 of 1,614,060 alleles (0.033%); highest among the groups gnomAD compares: Non-Finnish European, 0.042%; no homozygotes.

Submissions (4):

PreventionGenetics, part of Exact Sciences
Classification: Uncertain significance for CNGB1-related condition. Last evaluated: 2026-06-26. Review status: criteria provided, single submitter. Criteria: ACMG Guidelines, 2015. Collection method: clinical testing. Allele origin: germline.
Comment: The CNGB1 c.2990G>A variant is predicted to result in the amino acid substitution p.Arg997His. To our knowledge, this variant has not been reported in the literature. This variant is reported in 0.031% of alleles in individuals of Latino descent in gnomAD. At this time, the clinical significance of this variant is uncertain due to the absence of conclusive functional and genetic evidence.

Blueprint Genetics
Classification: Uncertain significance. Last evaluated: 2024-11-28. Review status: criteria provided, single submitter. Criteria: ACMG Guidelines, 2015. Collection method: clinical testing. Allele origin: germline.

Labcorp Genetics (formerly Invitae), Labcorp
Classification: Uncertain significance. Last evaluated: 2023-07-17. Review status: criteria provided, single submitter. Criteria: Invitae Variant Classification Sherloc (09022015). Collection method: clinical testing. Allele origin: germline.
Comment: In summary, the available evidence is currently insufficient to determine the role of this variant in disease. Therefore, it has been classified as a Variant of Uncertain Significance. Advanced modeling of protein sequence and biophysical properties (such as structural, functional, and spatial information, amino acid conservation, physicochemical variation, residue mobility, and thermodynamic stability) performed at Invitae indicates that this missense variant is not expected to disrupt CNGB1 protein function. ClinVar contains an entry for this variant (Variation ID: 283386). This sequence change replaces arginine, which is basic and polar, with histidine, which is basic and polar, at codon 997 of the CNGB1 protein (p.Arg997His). This variant is present in population databases (rs199552115, gnomAD 0.03%). This variant has not been reported in the literature in individuals affected with CNGB1-related conditions.

Eurofins Ntd Llc (ga)
Classification: Uncertain significance. Last evaluated: 2015-10-01. Review status: criteria provided, single submitter. Criteria: EGL Classification Definitions 2015. Collection method: clinical testing. Allele origin: germline. Observed: 1 variant allele, 1 heterozygote.

NM_001297.5(CNGB1):c.2990G>A (p.Arg997His)

Gene: CNGB1 (cyclic nucleotide gated channel subunit beta 1; minus strand). Cytogenetic location: 16q21.
Variant type: single nucleotide variant.
Coding change: c.2990G>A on transcript NM_001297.5 (MANE Select); coding-DNA position 2990, G replaced by A.
Protein change: p.Arg997His; replaces arginine 997 with histidine.
Molecular consequence: missense variant.
Genome position (GRCh38, 1-based): chr16:57,897,901, C>T on the plus strand (G>A on the coding strand, the complement: CNGB1 is on the minus strand). VCF-style: chr16-57897901-C-T. GRCh37 (hg19) VCF-style: chr16-57931805-C-T.
Other names: c.2972G>A, p.Arg991His (NM_001286130.2); short protein forms R997H, R991H.
Identifiers: ClinVar variation 283386 (VCV000283386.16), dbSNP rs199552115, ClinGen allele CA8082718.